The following is an entry in ClinVar:

NM_000256.3(MYBPC3):c.457C>T (p.Pro153Ser)

Gene: MYBPC3 (myosin binding protein C3; minus strand). Cytogenetic location: 11p11.2.
Variant type: single nucleotide variant.
Coding change: c.457C>T on transcript NM_000256.3 (MANE Select); coding-DNA position 457, C replaced by T.
Protein change: p.Pro153Ser; replaces proline 153 with serine.
Molecular consequence: missense variant.
Genome position (GRCh38, 1-based): chr11:47,350,062, G>A on the plus strand (C>T on the coding strand, the complement: MYBPC3 is on the minus strand). VCF-style: chr11-47350062-G-A. GRCh37 (hg19) VCF-style: chr11-47371613-G-A.
Other names: short protein forms P153S.
Identifiers: ClinVar variation 2823483 (VCV002823483.3), dbSNP rs1247842104, ClinGen allele CA380338707.

ClinVar aggregate classification (germline): Uncertain significance (1 of 4 stars; one submission).

Conditions:
Hypertrophic cardiomyopathy. Also called: HYPERTROPHIC MYOCARDIOPATHY. Identifiers: Orphanet 217569, MedGen C0007194, MeSH D002312, MONDO:0005045, HP:0001639.

Allele frequency attached by ClinVar (database versions not stated): gnomAD exomes below 0.00001.
gnomAD v4.1: 5 of 1,563,536 alleles (0.00032%); highest among the groups gnomAD compares: Non-Finnish European, 0.00043%; no homozygotes.

Submission:

Labcorp Genetics (formerly Invitae), Labcorp
Classification: Uncertain significance for Hypertrophic cardiomyopathy. Last evaluated: 2024-09-13. Review status: criteria provided, single submitter. Criteria: Invitae Variant Classification Sherloc (09022015). Collection method: clinical testing. Allele origin: germline.
Comment: This sequence change replaces proline, which is neutral and non-polar, with serine, which is neutral and polar, at codon 153 of the MYBPC3 protein (p.Pro153Ser). This variant is not present in population databases (gnomAD no frequency). This variant has not been reported in the literature in individuals affected with MYBPC3-related conditions. An algorithm developed to predict the effect of missense changes on protein structure and function (PolyPhen-2) suggests that this variant is likely to be tolerated. In summary, the available evidence is currently insufficient to determine the role of this variant in disease. Therefore, it has been classified as a Variant of Uncertain Significance.